The following is an entry in ClinVar:

ClinVar aggregate classification (germline): Pathogenic/Likely pathogenic. Review status: criteria provided, multiple submitters, no conflicts (2 of 4 stars). 8 submissions from 8 submitters: Pathogenic (4); Likely pathogenic (2). 2 of the submissions do not count toward it. Last evaluated 2026-08-24.

Conditions:
Mitochondrial trifunctional protein deficiency 1 (MTPD1). Identifiers: MedGen CN376812, MONDO:0958181, OMIM 609015.
Long chain 3-hydroxyacyl-CoA dehydrogenase deficiency. Also called: LCHAD Deficiency; Deficiency of long-chain 3-hydroxyacyl-coenzyme A dehydrogenase. Identifiers: Orphanet 5, MedGen C3711645, MONDO:0012173, OMIM 609016.
Mitochondrial trifunctional protein deficiency. Identifiers: Orphanet 746, MedGen C1969443, MONDO:0012172.

Allele frequency attached by ClinVar (database versions not stated): TOPMed 0.00003.
gnomAD v4.1: 34 of 1,448,170 alleles (0.0023%); highest among the groups gnomAD compares: Non-Finnish European, 0.0032%; no homozygotes.

Submissions (8):

GeneDx
Classification: Likely pathogenic. Last evaluated: 2026-08-24. Review status: criteria provided, single submitter. Criteria: GeneDx Variant Classification Process June 2021. Collection method: clinical testing. Allele origin: germline.
Comment: Not observed at significant frequency in large population cohorts (gnomAD); In silico analysis supports that this missense variant has a deleterious effect on protein structure/function; This variant is associated with the following publications: (PMID: 9739053, 2019931, 26109258, 31589614, 33610471, 32253025, 21549624, 38360210, 34712195, 29268767)

Natera, Inc.
Classification: Pathogenic for Deficiency of long-chain 3-hydroxyacyl-coenzyme A dehydrogenase. Last evaluated: 2025-10-27. Review status: criteria provided, single submitter. Criteria: Natera Variant Classification Schema (03/2026). Collection method: clinical testing. Allele origin: germline.
Comment: The c.914T>A variant in HADHA is a missense variant predicted to cause substitution of isoleucine to asparagine at amino acid 305. This variant is rare in the general population with a frequency below the threshold expected for the associated phenotype(s). This variant has been observed in one or more individuals affected with the associated recessive disease, as either homozygous or compound heterozygous with a second variant (PMID: 26109258, 21549624, 34578803, 9739053, 32337335, 32253025, 33610471, 29268767). Additionally, this variant has been observed to segregate in affected family members (PMID: 29268767). Computational prediction algorithms indicate this variant is likely to affect gene or protein function. Given the available evidence, this variant is classified as Pathogenic.

Fulgent Genetics
Classification: Likely pathogenic for Mitochondrial trifunctional protein deficiency 1; Long chain 3-hydroxyacyl-CoA dehydrogenase deficiency. Last evaluated: 2024-05-15. Review status: criteria provided, single submitter. Criteria: ACMG Guidelines, 2015. Collection method: clinical testing. Allele origin: germline.

Labcorp Genetics (formerly Invitae), Labcorp
Classification: Pathogenic for Mitochondrial trifunctional protein deficiency; Long chain 3-hydroxyacyl-CoA dehydrogenase deficiency. Last evaluated: 2024-01-21. Review status: criteria provided, single submitter. Criteria: Invitae Variant Classification Sherloc (09022015). Collection method: clinical testing. Allele origin: germline.
Comment: This sequence change replaces isoleucine, which is neutral and non-polar, with asparagine, which is neutral and polar, at codon 305 of the HADHA protein (p.Ile305Asn). This variant is present in population databases (rs137852774, gnomAD 0.002%). This missense change has been observed in individual(s) with long-chain 3-hydroxyacyl-CoA dehydrogenase (LCHAD) deficiency and/or MTP deficiency (PMID: 9739053, 21549624, 26109258, 29268767). ClinVar contains an entry for this variant (Variation ID: 8736). Advanced modeling of protein sequence and biophysical properties (such as structural, functional, and spatial information, amino acid conservation, physicochemical variation, residue mobility, and thermodynamic stability) performed at Invitae indicates that this missense variant is expected to disrupt HADHA protein function with a positive predictive value of 80%. For these reasons, this variant has been classified as Pathogenic.

Baylor Genetics
Classification: Pathogenic for Long chain 3-hydroxyacyl-CoA dehydrogenase deficiency. Last evaluated: 2023-03-17. Review status: criteria provided, single submitter. Criteria: ACMG Guidelines, 2015. Collection method: clinical testing. Allele origin: unknown.

Department of Pathology and Laboratory Medicine, Sinai Health System
Classification: Pathogenic for Mitochondrial trifunctional protein deficiency 1; Long chain 3-hydroxyacyl-CoA dehydrogenase deficiency. Last evaluated: 2021-07-30. Review status: criteria provided, single submitter. Criteria: ACMG Guidelines, 2015. Collection method: research. Allele origin: germline.

Counsyl
Classification: Likely pathogenic for Long chain 3-hydroxyacyl-CoA dehydrogenase deficiency. Last evaluated: 2018-09-03. Review status: no assertion criteria provided. Collection method: clinical testing. Allele origin: unknown. Not counted in ClinVar's aggregate classification.

OMIM
Classification: Pathogenic for MITOCHONDRIAL TRIFUNCTIONAL PROTEIN DEFICIENCY 1 WITH MYOPATHY AND NEUROPATHY. Last evaluated: 1998-09-15. Review status: no assertion criteria provided. Collection method: literature only. Allele origin: germline. Not counted in ClinVar's aggregate classification.

Literature cited by the submitters: PubMed 26109258 (cited by Natera, Inc. and Labcorp Genetics (formerly Invitae), Labcorp); PubMed 21549624 (cited by 3 submitters); PubMed 34578803 (cited by Natera, Inc.); PubMed 9739053 (cited by 4 submitters); PubMed 32337335 (cited by Natera, Inc.); PubMed 32253025 (cited by Natera, Inc.); PubMed 33610471 (cited by Natera, Inc.); PubMed 29268767 (cited by 3 submitters); PubMed 2019931 (cited by OMIM).

NM_000182.5(HADHA):c.914T>A (p.Ile305Asn)

Gene: HADHA (hydroxyacyl-CoA dehydrogenase trifunctional multienzyme complex subunit alpha; minus strand). Cytogenetic location: 2p23.3.
Variant type: single nucleotide variant.
Coding change: c.914T>A on transcript NM_000182.5 (MANE Select); coding-DNA position 914, T replaced by A.
Protein change: p.Ile305Asn; replaces isoleucine 305 with asparagine.
Molecular consequence: missense variant.
Genome position (GRCh38, 1-based): chr2:26,214,447, A>T on the plus strand (T>A on the coding strand, the complement: HADHA is on the minus strand). VCF-style: chr2-26214447-A-T. GRCh37 (hg19) VCF-style: chr2-26437316-A-T.
Other names: I269N; short protein forms I305N.
Identifiers: ClinVar variation 8736 (VCV000008736.19), dbSNP rs137852774, ClinGen allele CA340822.